The following is an entry in ClinVar:

NM_001376.5(DYNC1H1):c.6995G>A (p.Arg2332His)

Gene: DYNC1H1 (dynein cytoplasmic 1 heavy chain 1; plus strand). Cytogenetic location: 14q32.31.
Variant type: single nucleotide variant.
Coding change: c.6995G>A on transcript NM_001376.5 (MANE Select); coding-DNA position 6995, G replaced by A.
Protein change: p.Arg2332His; replaces arginine 2332 with histidine.
Molecular consequence: missense variant.
Genome position (GRCh38, 1-based): chr14:102,012,451, G>A. VCF-style: chr14-102012451-G-A. GRCh37 (hg19) VCF-style: chr14-102478788-G-A.
Other names: short protein forms R2332H.
Identifiers: ClinVar variation 981302 (VCV000981302.3), dbSNP rs1236304133, ClinGen allele CA391059240.

ClinVar aggregate classification (germline): Pathogenic/Likely pathogenic. Review status: criteria provided, multiple submitters, no conflicts (2 of 4 stars). 2 submissions from 2 submitters: Pathogenic (1); Likely pathogenic (1). Last evaluated 2024-04-19.

Conditions:
Intellectual disability. Also called: intellectual disabilities; Intellectual developmental disorder; Intellectual functioning disability. Identifiers: MedGen C3714756, MeSH D008607, MONDO:0001071, HP:0001249.

Submissions (2):

GeneDx
Classification: Pathogenic. Last evaluated: 2024-04-19. Review status: criteria provided, single submitter. Criteria: GeneDx Variant Classification Process June 2021. Collection method: clinical testing. Allele origin: germline.
Comment: Not observed at significant frequency in large population cohorts (gnomAD); In silico analysis supports that this missense variant has a deleterious effect on protein structure/function; Has not been previously published as pathogenic or benign to our knowledge; This variant is associated with the following publications: (PMID: 25512093, 25609763, 26100331)

Diagnostic Laboratory, Strasbourg University Hospital
Classification: Likely pathogenic for Intellectual disability. Last evaluated: 2020-09-10. Review status: criteria provided, single submitter. Criteria: ACMG Guidelines, 2015. Collection method: clinical testing. Allele origin: maternal. Affected: yes. Observed: 1 heterozygote.